The following is an entry in ClinVar:

NM_003119.4(SPG7):c.377-2A>G

Gene: SPG7 (SPG7 matrix AAA peptidase subunit, paraplegin; plus strand). Cytogenetic location: 16q24.3.
Variant type: single nucleotide variant.
Coding change: c.377-2A>G on transcript NM_003119.4 (MANE Select); the canonical splice acceptor site of the intron before coding-DNA position 377, A replaced by G.
Molecular consequence: splice acceptor variant.
Genome position (GRCh38, 1-based): chr16:89,524,004, A>G. VCF-style: chr16-89524004-A-G. GRCh37 (hg19) VCF-style: chr16-89590412-A-G.
Other names: c.377-2A>G (NM_001363850.1, NM_199367.3).
Identifiers: ClinVar variation 4845753 (VCV004845753.1).

ClinVar aggregate classification (germline): Likely pathogenic (1 of 4 stars; one submission).

Conditions:
Hereditary spastic paraplegia 7 (SPG7). Also called: Spastic paraplegia 7; Hereditary spastic paraplegia Paraplegin type; Autosomal recessive spastic paraplegia type 7; SPASTIC PARAPLEGIA 7, AUTOSOMAL RECESSIVE, WITH OR WITHOUT CEREBELLAR ATAXIA; SPG7-related neurologic disorder. Identifiers: Orphanet 99013, MedGen C1846564, MONDO:0011803, OMIM 607259.

Submission:

First Genomix Gene Laboratory, Genetic Diagnostics Department
Classification: Likely pathogenic for Hereditary spastic paraplegia 7. Last evaluated: 2025-01-09. Review status: criteria provided, single submitter. Criteria: ACMG Guidelines, 2015. Collection method: clinical testing. Allele origin: germline. Inheritance: Autosomal recessive inheritance. Affected: no. Observed: 1 variant allele.